The following is an entry in ClinVar:

NM_032438.4(L3MBTL3):c.236C>G (p.Ser79Cys)

Gene: L3MBTL3 (L3MBTL histone methyl-lysine binding protein 3; plus strand). Cytogenetic location: 6q23.1.
Variant type: single nucleotide variant.
Coding change: c.236C>G on transcript NM_032438.4 (MANE Select); coding-DNA position 236, C replaced by G.
Protein change: p.Ser79Cys; replaces serine 79 with cysteine.
Molecular consequence: missense variant. On other transcripts: intron variant (3).
Genome position (GRCh38, 1-based): chr6:130,049,777, C>G. VCF-style: chr6-130049777-C-G. GRCh37 (hg19) VCF-style: chr6-130370922-C-G.
Other names: c.214+384C>G (NM_001007102.4, NM_001346551.2, NM_001346550.2); short protein forms S79C.
Identifiers: ClinVar variation 4993985 (VCV004993985.1).

ClinVar aggregate classification (germline): Uncertain significance (1 of 4 stars; one submission).

Conditions:
L3MBTL3-related condition.

Submission:

PreventionGenetics, part of Exact Sciences
Classification: Uncertain significance for L3MBTL3-related condition. Last evaluated: 2025-11-21. Review status: criteria provided, single submitter. Criteria: ACMG Guidelines, 2015. Collection method: clinical testing. Allele origin: germline.
Comment: The L3MBTL3 c.236C>G variant is predicted to result in the amino acid substitution p.Ser79Cys. To our knowledge, this variant has not been reported in the literature or in a large population database (gnomAD), indicating this variant is rare. At this time, the clinical significance of this variant is uncertain due to the absence of conclusive functional and genetic evidence.